The following is an entry in ClinVar:

NM_000038.6(APC):c.4956C>T (p.Ser1652=)

Gene: APC (APC regulator of Wnt signaling pathway; plus strand). Cytogenetic location: 5q22.2.
Variant type: single nucleotide variant.
Coding change: c.4956C>T on transcript NM_000038.6 (MANE Select); coding-DNA position 4956, C replaced by T.
Protein change: p.Ser1652=; no amino-acid change (serine 1652 retained).
Molecular consequence: synonymous variant.
Genome position (GRCh38, 1-based): chr5:112,840,550, C>T. VCF-style: chr5-112840550-C-T. GRCh37 (hg19) VCF-style: chr5-112176247-C-T.
Other names: c.4956C>T, p.Ser1652= (NM_001127510.3, NM_001354895.2); c.4902C>T, p.Ser1634= (NM_001127511.3); c.5010C>T, p.Ser1670= (NM_001354896.2); c.4986C>T, p.Ser1662= (NM_001354897.2); c.4881C>T, p.Ser1627= (NM_001354898.2); c.4872C>T, p.Ser1624= (NM_001354899.2); c.4833C>T, p.Ser1611= (NM_001354900.2); c.4779C>T, p.Ser1593= (NM_001354901.2); and 5 more.
Identifiers: ClinVar variation 926917 (VCV000926917.12), dbSNP rs1765812159, ClinGen allele CA446208719.
Genomic context (GRCh38, chr5:112,840,550, plus strand): 5'-TACACCGGGGGATGATATGCCACGGGTGTATTGTGTTGAAGGGACACCTATAAACTTTTC[C>T]ACAGCTACATCTCTAAGTGATCTAACAATCGAATCCCCTCCAAATGAGTTAGCTGCTGGA-3'
Protein context (NP_000029.2, residues 1642-1662): YCVEGTPINF[Ser1652=]TATSLSDLTI

ClinVar aggregate classification (germline): Benign/Likely benign. Review status: criteria provided, multiple submitters, no conflicts (2 of 4 stars). 4 submissions from 4 submitters: Benign (1); Likely benign (3). Last evaluated 2024-03-28.

Conditions:
Hereditary cancer-predisposing syndrome. Also called: Neoplastic Syndromes, Hereditary; Tumor predisposition; Hereditary Cancer Syndrome; Hereditary neoplastic syndrome. Identifiers: Orphanet 140162, MedGen C0027672, MeSH D009386, MONDO:0015356.
Familial adenomatous polyposis 1 (FAP1). Also called: FAMILIAL ADENOMATOUS POLYPOSIS 1, ATTENUATED; POLYPOSIS, ADENOMATOUS INTESTINAL. Identifiers: MedGen C2713442, MONDO:0021056, OMIM 175100. Disease mechanism: loss of function.

Submissions (4):

Myriad Genetics, Inc.
Classification: Benign for Familial adenomatous polyposis 1. Last evaluated: 2024-03-28. Review status: criteria provided, single submitter. Criteria: Myriad Autosomal Dominant, Autosomal Recessive and X-Linked Classification Criteria (2023). Collection method: clinical testing. Allele origin: unknown.
Comment: This variant is considered benign. This variant is a silent/synonymous amino acid change and it is not expected to impact splicing.

Labcorp Genetics (formerly Invitae), Labcorp
Classification: Likely benign for Familial adenomatous polyposis 1. Last evaluated: 2023-08-27. Review status: criteria provided, single submitter. Criteria: Invitae Variant Classification Sherloc (09022015). Collection method: clinical testing. Allele origin: germline.

Ambry Genetics
Classification: Likely benign for Hereditary cancer-predisposing syndrome. Last evaluated: 2020-06-05. Review status: criteria provided, single submitter. Criteria: Ambry Variant Classification Scheme 2023. Collection method: clinical testing. Allele origin: germline.

Color Diagnostics, LLC DBA Color Health
Classification: Likely benign for Hereditary cancer-predisposing syndrome. Last evaluated: 2019-08-21. Review status: criteria provided, single submitter. Criteria: ACMG Guidelines, 2015. Collection method: clinical testing. Allele origin: germline.